The following is an entry in ClinVar:

ClinVar aggregate classification (germline): Likely pathogenic (1 of 4 stars; one submission).

Conditions:
Joubert syndrome. Also called: CEREBELLOPARENCHYMAL DISORDER IV; JOUBERT-BOLTSHAUSER SYNDROME; Familial aplasia of the vermis. Identifiers: Orphanet 475, MedGen C5979921, MONDO:0018772.
Meckel-Gruber syndrome. Also called: DYSENCEPHALIA SPLANCHNOCYSTICA; GRUBER SYNDROME; Dysencephalia splachnocystica. Identifiers: Orphanet 564, MedGen C0265215, MONDO:0018921.

Submission:

Labcorp Genetics (formerly Invitae), Labcorp
Classification: Likely pathogenic for Joubert syndrome; Meckel-Gruber syndrome. Last evaluated: 2022-06-29. Review status: criteria provided, single submitter. Criteria: Invitae Variant Classification Sherloc (09022015). Collection method: clinical testing. Allele origin: germline.
Comment: In summary, the currently available evidence indicates that the variant is pathogenic, but additional data are needed to prove that conclusively. Therefore, this variant has been classified as Likely Pathogenic. Algorithms developed to predict the effect of sequence changes on RNA splicing suggest that this variant may disrupt the consensus splice site. This variant has not been reported in the literature in individuals affected with MKS1-related conditions. This variant is not present in population databases (gnomAD no frequency). This sequence change affects an acceptor splice site in intron 8 of the MKS1 gene. It is expected to disrupt RNA splicing. Variants that disrupt the donor or acceptor splice site typically lead to a loss of protein function (PMID: 16199547), and loss-of-function variants in MKS1 are known to be pathogenic (PMID: 19466712, 24886560, 26490104).

Literature cited by the submitters: PubMed 16199547; PubMed 19466712; PubMed 24886560; PubMed 26490104.

NM_017777.4(MKS1):c.859-2A>T

Gene: MKS1 (MKS transition zone complex subunit 1; minus strand). Cytogenetic location: 17q22.
Variant type: single nucleotide variant.
Coding change: c.859-2A>T on transcript NM_017777.4 (MANE Select); the canonical splice acceptor site of the intron before coding-DNA position 859, A replaced by T.
Molecular consequence: splice acceptor variant.
Genome position (GRCh38, 1-based): chr17:58,212,436, T>A on the plus strand (A>T on the coding strand, the complement: MKS1 is on the minus strand). VCF-style: chr17-58212436-T-A. GRCh37 (hg19) VCF-style: chr17-56289797-T-A.
Other names: c.250-2A>T (NM_001321268.2); c.859-2A>T (NM_001330397.2, NM_001321269.2, NM_001411113.1).
Identifiers: ClinVar variation 2012375 (VCV002012375.4), dbSNP rs1968931002, ClinGen allele CA400326322.
Genomic context (GRCh38, chr17:58,212,436, plus strand): 5'-ACCATCTCAAAGTCGGTGCCTACGAGGCTGCTGAGATACTCCTTGTGCCGGCCATAAAGC[T>A]GAGGAAACAAACCAAACCAAAACTCAAGATGCAACCCAAGCTAGACCAAAGTTCAGTTCT-3'